The following is an entry in ClinVar:

NM_006206.6(PDGFRA):c.2277A>T (p.Arg759Ser)

Gene: PDGFRA (platelet derived growth factor receptor alpha; plus strand). Cytogenetic location: 4q12.
Variant type: single nucleotide variant.
Coding change: c.2277A>T on transcript NM_006206.6 (MANE Select); coding-DNA position 2277, A replaced by T.
Protein change: p.Arg759Ser; replaces arginine 759 with serine.
Molecular consequence: missense variant.
Genome position (GRCh38, 1-based): chr4:54,280,436, A>T. VCF-style: chr4-54280436-A-T. GRCh37 (hg19) VCF-style: chr4-55146603-A-T.
Other names: c.2277A>T, p.Arg759Ser (NM_001347827.2, NM_001347829.2); c.2352A>T, p.Arg784Ser (NM_001347828.2); c.2316A>T, p.Arg772Ser (NM_001347830.2); short protein forms R772S, R784S, R759S.
Identifiers: ClinVar variation 2182670 (VCV002182670.4), dbSNP rs1198732249, ClinGen allele CA356894463.

ClinVar aggregate classification (germline): Uncertain significance (1 of 4 stars; one submission).

Conditions:
Gastrointestinal stromal tumor. Also called: Gastrointestinal stroma tumor; Gastrointestinal stromal tumor, somatic. Identifiers: Orphanet 44890, MedGen C0238198, MeSH D046152, MONDO:0011719, OMIM 606764, HP:0100723.

gnomAD v4.1: 1 of 1,613,856 alleles (0.000062%); highest among the groups gnomAD compares: East Asian, 0.0022%; no homozygotes.

Submission:

Labcorp Genetics (formerly Invitae), Labcorp
Classification: Uncertain significance for Gastrointestinal stromal tumor. Last evaluated: 2021-12-29. Review status: criteria provided, single submitter. Criteria: Invitae Variant Classification Sherloc (09022015). Collection method: clinical testing. Allele origin: germline.
Comment: In summary, the available evidence is currently insufficient to determine the role of this variant in disease. Therefore, it has been classified as a Variant of Uncertain Significance. Algorithms developed to predict the effect of missense changes on protein structure and function are either unavailable or do not agree on the potential impact of this missense change (SIFT: "Tolerated"; PolyPhen-2: "Possibly Damaging"; Align-GVGD: "Class C0"). This variant has not been reported in the literature in individuals affected with PDGFRA-related conditions. This variant is present in population databases (no rsID available, gnomAD 0.006%). This sequence change replaces arginine, which is basic and polar, with serine, which is neutral and polar, at codon 759 of the PDGFRA protein (p.Arg759Ser).